The following is an entry in ClinVar:

NM_001267550.2(TTN):c.107741T>C (p.Leu35914Pro)

Genes: TTN (titin; minus strand), TTN-AS1 (TTN antisense RNA 1; plus strand). Cytogenetic location: 2q31.2.
Variant type: single nucleotide variant.
Coding change: c.107741T>C on transcript NM_001267550.2 (MANE Select); coding-DNA position 107741, T replaced by C.
Protein change: p.Leu35914Pro; replaces leucine 35914 with proline.
Molecular consequence: missense variant.
Genome position (GRCh38, 1-based): chr2:178,527,247, A>G on the plus strand (T>C on the coding strand, the complement: TTN is on the minus strand). VCF-style: chr2-178527247-A-G. GRCh37 (hg19) VCF-style: chr2-179391974-A-G.
Other names: c.102818T>C, p.Leu34273Pro (NM_001256850.1); c.80546T>C, p.Leu26849Pro (NM_003319.4); c.100037T>C, p.Leu33346Pro (NM_133378.4); c.80921T>C, p.Leu26974Pro (NM_133432.3); c.81122T>C, p.Leu27041Pro (NM_133437.4); short protein forms L26849P, L34273P, L26974P, L27041P, L33346P, L35914P.
Identifiers: ClinVar variation 2949945 (VCV002949945.3), dbSNP rs2468230566, ClinGen allele CA349399404.

ClinVar aggregate classification (germline): Uncertain significance (1 of 4 stars; one submission).

Conditions:
Dilated cardiomyopathy 1G (CMD1G). Identifiers: Orphanet 154, MedGen C1858763, MONDO:0011400, OMIM 604145.
Autosomal recessive limb-girdle muscular dystrophy type 2J (LGMDR10). Also called: Limb-girdle muscular dystrophy, type 2J; MUSCULAR DYSTROPHY, LIMB-GIRDLE, AUTOSOMAL RECESSIVE 10. Identifiers: Orphanet 140922, MedGen C1837342, MONDO:0012127, OMIM 608807.

Submission:

Labcorp Genetics (formerly Invitae), Labcorp
Classification: Uncertain significance for Dilated cardiomyopathy 1G; Autosomal recessive limb-girdle muscular dystrophy type 2J. Last evaluated: 2023-07-16. Review status: criteria provided, single submitter. Criteria: Invitae Variant Classification Sherloc (09022015). Collection method: clinical testing. Allele origin: germline.
Comment: This variant is located in the M band of TTN (PMID: 25589632). Variants in this region may be relevant for neuromuscular disorders, but have not been definitively shown to cause cardiomyopathy (PMID: 23975875). In summary, the available evidence is currently insufficient to determine the role of this variant in disease. Therefore, it has been classified as a Variant of Uncertain Significance. Experimental studies and prediction algorithms are not available or were not evaluated, and the functional significance of this variant is currently unknown. This variant has not been reported in the literature in individuals affected with TTN-related conditions. This variant is not present in population databases (gnomAD no frequency). This sequence change replaces leucine, which is neutral and non-polar, with proline, which is neutral and non-polar, at codon 35914 of the TTN protein (p.Leu35914Pro).

Literature cited by the submitters: PubMed 25589632; PubMed 23975875.